The following is an entry in ClinVar:

NM_001354483.2(CSGALNACT1):c.1043dup (p.Ser350fs)

Gene: CSGALNACT1 (chondroitin sulfate N-acetylgalactosaminyltransferase 1; minus strand). Cytogenetic location: 8p21.3.
Variant type: Duplication.
Coding change: c.1043dup on transcript NM_001354483.2 (MANE Select); coding-DNA position 1043, one base duplicated (A; older notation c.1043dupA).
Protein change: p.Ser350fs; shifts the reading frame from serine 350.
Molecular consequence: frameshift variant. On other transcripts: non-coding transcript variant (7).
Genome position (GRCh38, 1-based): chr8:19,420,429, T duplicated on the plus strand (A on the coding strand, the reverse complement: CSGALNACT1 is on the minus strand); the first of 2 consecutive T bases (chr8:19,420,429-19,420,430); duplicating either gives the same sequence. VCF-style (leftmost placement, unchanged base first): chr8-19420428-C-CT. GRCh37 (hg19) VCF-style: chr8-19277939-C-CT.
Other names: c.1043dup, p.Ser350fs (NM_001130518.2, NM_001354475.2, NM_001354476.2 and 18 more transcripts); short protein forms S350fs.
Identifiers: ClinVar variation 4780307 (VCV004780307.1).

ClinVar aggregate classification (germline): Pathogenic (1 of 4 stars; one submission).

Submission:

Labcorp Genetics (formerly Invitae), Labcorp
Classification: Pathogenic. Last evaluated: 2026-01-20. Review status: criteria provided, single submitter. Criteria: Invitae Variant Classification Sherloc (09022015). Collection method: clinical testing. Allele origin: germline.
Comment: This sequence change creates a premature translational stop signal (p.Ser350Lysfs*9) in the CSGALNACT1 gene. It is expected to result in an absent or disrupted protein product. Loss-of-function variants in CSGALNACT1 are known to be pathogenic (PMID: 21148564, 27599773, 31325655). This variant is present in population databases (rs748831332, gnomAD 0.005%). This variant has not been reported in the literature in individuals affected with CSGALNACT1-related conditions. For these reasons, this variant has been classified as Pathogenic.

Literature cited by the submitters: PubMed 21148564; PubMed 27599773; PubMed 31325655.